The following is an entry in ClinVar:

ClinVar aggregate classification (germline): Uncertain significance (1 of 4 stars; one submission).

Conditions:
EPHB2-related disorder. Also called: EPHB2-related condition.

Submission:

PreventionGenetics, part of Exact Sciences
Classification: Uncertain significance for EPHB2-related condition. Last evaluated: 2026-06-29. Review status: criteria provided, single submitter. Criteria: ACMG Guidelines, 2015. Collection method: clinical testing. Allele origin: germline.
Comment: The EPHB2 c.718T>G variant is predicted to result in the amino acid substitution p.Tyr240Asp. To our knowledge, this variant has not been reported in the literature or in a large population database, indicating this variant is rare. At this time, the clinical significance of this variant is uncertain due to the absence of conclusive functional and genetic evidence.

NM_017449.5(EPHB2):c.718T>G (p.Tyr240Asp)

Gene: EPHB2 (EPH receptor B2; plus strand). Cytogenetic location: 1p36.12.
Variant type: single nucleotide variant.
Coding change: c.718T>G on transcript NM_017449.5 (MANE Select); coding-DNA position 718, T replaced by G.
Protein change: p.Tyr240Asp; replaces tyrosine 240 with aspartic acid.
Molecular consequence: missense variant.
Genome position (GRCh38, 1-based): chr1:22,784,983, T>G. VCF-style: chr1-22784983-T-G. GRCh37 (hg19) VCF-style: chr1-23111476-T-G.
Other names: c.718T>G, p.Tyr240Asp (NM_001309192.2, NM_001309193.2, NM_004442.7); short protein forms Y240D.
Identifiers: ClinVar variation 3348511 (VCV003348511.2).
Genomic context (GRCh38, chr1:22,784,983, plus strand): 5'-GTGGCTGCCCGGGGCAGCTGCATCGCCAATGCGGAAGAGGTGGATGTACCCATCAAGCTC[T>G]ACTGTAACGGGGACGGCGAGTGGCTGGTGCCCATCGGGCGCTGCATGTGCAAAGCAGGCT-3'
Protein context (NP_059145.2, residues 230-250): AEEVDVPIKL[Tyr240Asp]CNGDGEWLVP